The following is an entry in ClinVar:

ClinVar aggregate classification (germline): Uncertain significance (1 of 4 stars; one submission).

Conditions:
Nephronophthisis 14 (NPHP14). Identifiers: Orphanet 2318, MedGen C3539071, MONDO:0013916, OMIM 614844.

gnomAD v4.1: 4 of 1,613,730 alleles (0.00025%); highest among the groups gnomAD compares: East Asian, 0.0045%; no homozygotes.

Submission:

Labcorp Genetics (formerly Invitae), Labcorp
Classification: Uncertain significance for Nephronophthisis 14. Last evaluated: 2022-09-27. Review status: criteria provided, single submitter. Criteria: Invitae Variant Classification Sherloc (09022015). Collection method: clinical testing. Allele origin: germline.
Comment: In summary, the available evidence is currently insufficient to determine the role of this variant in disease. Therefore, it has been classified as a Variant of Uncertain Significance. Advanced modeling of protein sequence and biophysical properties (such as structural, functional, and spatial information, amino acid conservation, physicochemical variation, residue mobility, and thermodynamic stability) performed at Invitae indicates that this missense variant is not expected to disrupt ZNF423 protein function. This variant has not been reported in the literature in individuals affected with ZNF423-related conditions. This variant is present in population databases (no rsID available, gnomAD 0.01%). This sequence change replaces histidine, which is basic and polar, with glutamine, which is neutral and polar, at codon 353 of the ZNF423 protein (p.His353Gln).

NM_001379286.1(ZNF423):c.1083C>A (p.His361Gln)

Gene: ZNF423 (zinc finger protein 423; minus strand). Cytogenetic location: 16q12.1.
Variant type: single nucleotide variant.
Coding change: c.1083C>A on transcript NM_001379286.1 (MANE Select); coding-DNA position 1083, C replaced by A.
Protein change: p.His361Gln; replaces histidine 361 with glutamine.
Molecular consequence: missense variant.
Genome position (GRCh38, 1-based): chr16:49,638,093, G>T on the plus strand (C>A on the coding strand, the complement: ZNF423 is on the minus strand). VCF-style: chr16-49638093-G-T. GRCh37 (hg19) VCF-style: chr16-49672004-G-T.
Other names: c.879C>A, p.His293Gln (NM_001271620.2); c.708C>A, p.His236Gln (NM_001330533.2); c.1059C>A, p.His353Gln (NM_015069.5); short protein forms H236Q, H361Q, H293Q, H353Q.
Identifiers: ClinVar variation 2145415 (VCV002145415.4), dbSNP rs201095265, ClinGen allele CA281213002.
Genomic context (GRCh38, chr16:49,638,093, plus strand): 5'-GTCGGGTGTGGCGCTGCTCATGGAGGCCACGCTGCCCAGTACAGGGTCGGGACTGACACT[G>T]TGGTTGCTGGAGTCGGGCTGCCGGTGGCTGTCCAGGTGGCAGTAGACACCTTCCACTGAG-3'
Protein context (NP_001366215.1, residues 351-371): DSHRQPDSSN[His361Gln]SVSPDPVLGS